The following is an entry in ClinVar:

NM_014875.3(KIF14):c.374_375dup (p.Lys126fs)

Gene: KIF14 (kinesin family member 14; minus strand). Cytogenetic location: 1q32.1.
Variant type: Duplication.
Coding change: c.374_375dup on transcript NM_014875.3 (MANE Select); coding-DNA positions 374 to 375, 2 bases duplicated (CT; older notation c.374_375dupCT).
Protein change: p.Lys126fs; shifts the reading frame from lysine 126.
Molecular consequence: frameshift variant. On other transcripts: 5 prime UTR variant (1).
Genome position (GRCh38, 1-based): chr1:200,618,349-200,618,350, AG duplicated on the plus strand (CT on the coding strand, the reverse complement: KIF14 is on the minus strand). VCF-style (leftmost placement, unchanged base first): chr1-200618348-T-TAG. GRCh37 (hg19) VCF-style: chr1-200587476-T-TAG.
Other names: c.-1012_-1011dup (NM_001305792.1); short protein forms K126fs.
Identifiers: ClinVar variation 4761892 (VCV004761892.1).

ClinVar aggregate classification (germline): Pathogenic (1 of 4 stars; one submission).

Submission:

Labcorp Genetics (formerly Invitae), Labcorp
Classification: Pathogenic. Last evaluated: 2026-01-19. Review status: criteria provided, single submitter. Criteria: Invitae Variant Classification Sherloc (09022015). Collection method: clinical testing. Allele origin: germline.
Comment: This sequence change creates a premature translational stop signal (p.Lys126Leufs*14) in the KIF14 gene. It is expected to result in an absent or disrupted protein product. Loss-of-function variants in KIF14 are known to be pathogenic (PMID: 23308235, 29343805, 30388224). This variant is present in population databases (rs771632012, gnomAD 0.002%). This variant has not been reported in the literature in individuals affected with KIF14-related conditions. For these reasons, this variant has been classified as Pathogenic.

Literature cited by the submitters: PubMed 23308235; PubMed 29343805; PubMed 30388224.